The following is an entry in ClinVar:

GRCh38/hg38 17q23.2(chr17:60981211-61150251)x1

Genes: BCAS3 (BCAS3 microtubule associated cell migration factor; plus strand), BCAS3-AS1 (BCAS3 antisense RNA 1; minus strand). Cytogenetic location: 17q23.2.
Variant type: copy number loss.
Change: copy number 1 (one copy instead of two) of chr17:60,981,211-61,150,251 (169.0 kb, GRCh38 coordinates, 1-based), cytogenetic band 17q23.2.
Identifiers: ClinVar variation 4796152 (VCV004796152.1).

ClinVar aggregate classification (germline): Uncertain significance (1 of 4 stars; one submission).

Submission:

Medical Genetic Center, Changzhi Maternal and Child Health Care Hospital
Classification: Uncertain significance. Last evaluated: 2025-12-10. Review status: criteria provided, single submitter. Criteria: ACMG/ClinGen CNV Guidelines, 2019. Collection method: clinical testing. Allele origin: unknown.